The following is an entry in ClinVar:

NM_002294.3(LAMP2):c.1196G>C (p.Gly399Ala)

Gene: LAMP2 (lysosome associated membrane protein 2; minus strand). Cytogenetic location: Xq24.
Variant type: single nucleotide variant.
Coding change: c.1196G>C on transcript NM_002294.3 (MANE Select); coding-DNA position 1196, G replaced by C.
Protein change: p.Gly399Ala; replaces glycine 399 with alanine.
Molecular consequence: missense variant. On other transcripts: intron variant (1).
Genome position (GRCh38, 1-based): chrX:120,431,360, C>G on the plus strand (G>C on the coding strand, the complement: LAMP2 is on the minus strand). VCF-style: chrX-120431360-C-G. GRCh37 (hg19) VCF-style: chrX-119565215-C-G.
Other names: c.1094-2734G>C (NM_001122606.1); short protein forms G399A.
Identifiers: ClinVar variation 1960548 (VCV001960548.5), dbSNP rs2520817218, ClinGen allele CA414398153.

ClinVar aggregate classification (germline): Uncertain significance (1 of 4 stars; one submission).

Conditions:
Danon disease. Also called: ANTOPOL DISEASE; PSEUDOGLYCOGENOSIS II; Glycogen Storage Disease Type IIb; GSD IIb; LYSOSOMAL GLYCOGEN STORAGE DISEASE WITHOUT ACID MALTASE DEFICIENCY. Identifiers: Orphanet 34587, MedGen C0878677, MONDO:0010281, OMIM 300257.

Submission:

Labcorp Genetics (formerly Invitae), Labcorp
Classification: Uncertain significance for Danon disease. Last evaluated: 2023-05-30. Review status: criteria provided, single submitter. Criteria: Invitae Variant Classification Sherloc (09022015). Collection method: clinical testing. Allele origin: germline.
Comment: This variant has not been reported in the literature in individuals affected with LAMP2-related conditions. This sequence change replaces glycine, which is neutral and non-polar, with alanine, which is neutral and non-polar, at codon 399 of the LAMP2 protein (p.Gly399Ala). This variant is not present in population databases (gnomAD no frequency). ClinVar contains an entry for this variant (Variation ID: 1960548). Advanced modeling of protein sequence and biophysical properties (such as structural, functional, and spatial information, amino acid conservation, physicochemical variation, residue mobility, and thermodynamic stability) performed at Invitae indicates that this missense variant is expected to disrupt LAMP2 protein function. In summary, the available evidence is currently insufficient to determine the role of this variant in disease. Therefore, it has been classified as a Variant of Uncertain Significance.